The following is an entry in ClinVar:

NM_016284.5(CNOT1):c.4255A>T (p.Thr1419Ser)

Gene: CNOT1 (CCR4-NOT transcription complex subunit 1; minus strand). Cytogenetic location: 16q21.
Variant type: single nucleotide variant.
Coding change: c.4255A>T on transcript NM_016284.5 (MANE Select); coding-DNA position 4255, A replaced by T.
Protein change: p.Thr1419Ser; replaces threonine 1419 with serine.
Molecular consequence: missense variant. On other transcripts: non-coding transcript variant (1).
Genome position (GRCh38, 1-based): chr16:58,543,786, T>A on the plus strand (A>T on the coding strand, the complement: CNOT1 is on the minus strand). VCF-style: chr16-58543786-T-A. GRCh37 (hg19) VCF-style: chr16-58577690-T-A.
Other names: c.4255A>T, p.Thr1419Ser (NM_206999.3); c.4240A>T, p.Thr1414Ser (NM_001265612.2); short protein forms T1414S, T1419S.
Identifiers: ClinVar variation 2431525 (VCV002431525.2), dbSNP rs1038725612, ClinGen allele CA396170152.

ClinVar aggregate classification (germline): Uncertain significance. Review status: criteria provided, multiple submitters, no conflicts (2 of 4 stars). 2 submissions from 2 submitters: Uncertain significance (2). Last evaluated 2026-08-06.

Conditions:
Holoprosencephaly 12 with or without pancreatic agenesis. Identifiers: MedGen C5193131, MONDO:0032787, OMIM 618500.
Vissers-Bodmer syndrome. Identifiers: MedGen C5436647, MONDO:0033618, OMIM 619033.

Allele frequency attached by ClinVar (database versions not stated): gnomAD exomes below 0.00001.
gnomAD v4.1: 1 of 1,614,106 alleles (0.000062%); highest among the groups gnomAD compares: Non-Finnish European, 0.000085%; no homozygotes.

Submissions (2):

OLLIN Analises Genomicas, OLLIN
Classification: Uncertain significance for Vissers-Bodmer syndrome. Last evaluated: 2026-08-06. Review status: criteria provided, single submitter. Criteria: ACMG Guidelines 2015 PMID 25741868. Collection method: clinical testing. Allele origin: germline. Inheritance: Autosomal dominant inheritance.
Comment: This missense variant, located in exon 31 (of 49), has been reported in ClinVar (accession VCV002431525.1) and in gnomAD with an allele frequency of 0.000062%. However, to our knowledge, it has not been reported in the scientific literature. In silico analysis is inconclusive regarding the impact of this variant. This variant is located in a region considered to be a mutational hotspot. This gene is constrained for missense variation. According to the currently available evidence, this variant has been classified as uncertain significance (PM1_P, PM2_P, PP2).

Laboratorio de Genetica e Diagnostico Molecular, Hospital Israelita Albert Einstein
Classification: Uncertain significance for Holoprosencephaly 12 with or without pancreatic agenesis. Last evaluated: 2022-11-01. Review status: criteria provided, single submitter. Criteria: ACMG Guidelines, 2015. Collection method: clinical testing. Allele origin: germline. Affected: yes. Observed: 1 variant allele.
Comment: ACMG classification criteria: PM2 moderated, PM5 moderated, PP2 supporting